The following is an entry in ClinVar:

NM_001261826.3(AP3D1):c.1645G>T (p.Val549Phe)

Gene: AP3D1 (adaptor related protein complex 3 subunit delta 1; minus strand). Cytogenetic location: 19p13.3.
Variant type: single nucleotide variant.
Coding change: c.1645G>T on transcript NM_001261826.3 (MANE Select); coding-DNA position 1645, G replaced by T.
Protein change: p.Val549Phe; replaces valine 549 with phenylalanine.
Molecular consequence: missense variant.
Genome position (GRCh38, 1-based): chr19:2,118,669, C>A on the plus strand (G>T on the coding strand, the complement: AP3D1 is on the minus strand). VCF-style: chr19-2118669-C-A. GRCh37 (hg19) VCF-style: chr19-2118668-C-A.
Other names: c.1645G>T, p.Val549Phe (NM_001374799.1, NM_003938.8); short protein forms V549F.
Identifiers: ClinVar variation 4712736 (VCV004712736.1).

ClinVar aggregate classification (germline): Uncertain significance (1 of 4 stars; one submission).

Submission:

Labcorp Genetics (formerly Invitae), Labcorp
Classification: Uncertain significance. Last evaluated: 2025-02-10. Review status: criteria provided, single submitter. Criteria: Invitae Variant Classification Sherloc (09022015). Collection method: clinical testing. Allele origin: germline.
Comment: This sequence change replaces valine, which is neutral and non-polar, with phenylalanine, which is neutral and non-polar, at codon 549 of the AP3D1 protein (p.Val549Phe). This variant is not present in population databases (gnomAD no frequency). This variant has not been reported in the literature in individuals affected with AP3D1-related conditions. An algorithm developed to predict the effect of missense changes on protein structure and function (PolyPhen-2) suggests that this variant is likely to be disruptive. In summary, the available evidence is currently insufficient to determine the role of this variant in disease. Therefore, it has been classified as a Variant of Uncertain Significance.